The following is an entry in ClinVar:

ClinVar aggregate classification (germline): Uncertain significance. Review status: criteria provided, multiple submitters, no conflicts (2 of 4 stars). 3 submissions from 3 submitters: Uncertain significance (3). Last evaluated 2026-02-23.

Conditions:
Lethal Kniest-like syndrome (DDSH). Also called: Dyssegmental Dysplasia. Identifiers: Orphanet 1865, MedGen C1857100, MONDO:0009140, OMIM 224410.
Schwartz-Jampel syndrome type 1 (SJS1). Also called: MYOTONIC MYOPATHY, DWARFISM, CHONDRODYSTROPHY, AND OCULAR AND FACIAL ABNORMALITIES; CHONDRODYSTROPHIC MYOTONIA. Identifiers: MedGen C4551479, MONDO:0100435, OMIM 255800.
Inborn genetic diseases. Identifiers: MedGen C0950123, MeSH D030342.

gnomAD v4.1: 78 of 1,611,628 alleles (0.0048%); highest among the groups gnomAD compares: Non-Finnish European, 0.0063%; no homozygotes.

Submissions (3):

GeneDx
Classification: Uncertain significance. Last evaluated: 2026-02-23. Review status: criteria provided, single submitter. Criteria: GeneDx Variant Classification Process June 2021. Collection method: clinical testing. Allele origin: germline.
Comment: In silico analysis suggests that this missense variant does not alter protein structure/function; Has not been previously published as pathogenic or benign to our knowledge

Ambry Genetics
Classification: Uncertain significance for Inborn genetic diseases. Last evaluated: 2023-06-30. Review status: criteria provided, single submitter. Criteria: Ambry Variant Classification Scheme 2023. Collection method: clinical testing. Allele origin: germline.

Department of Pathology and Laboratory Medicine, Sinai Health System
Classification: Uncertain significance for Lethal Kniest-like syndrome; Schwartz-Jampel syndrome type 1. Last evaluated: 2022-02-04. Review status: criteria provided, single submitter. Criteria: ACMG Guidelines, 2015. Collection method: research. Allele origin: germline.

NM_005529.7(HSPG2):c.7240G>T (p.Val2414Leu)

Gene: HSPG2 (heparan sulfate proteoglycan 2; minus strand). Cytogenetic location: 1p36.12.
Variant type: single nucleotide variant.
Coding change: c.7240G>T on transcript NM_005529.7 (MANE Select); coding-DNA position 7240, G replaced by T.
Protein change: p.Val2414Leu; replaces valine 2414 with leucine.
Molecular consequence: missense variant.
Genome position (GRCh38, 1-based): chr1:21,850,417, C>A on the plus strand (G>T on the coding strand, the complement: HSPG2 is on the minus strand). VCF-style: chr1-21850417-C-A. GRCh37 (hg19) VCF-style: chr1-22176910-C-A.
Other names: c.7243G>T, p.Val2415Leu (NM_001291860.2); short protein forms V2415L, V2414L.
Identifiers: ClinVar variation 2609248 (VCV002609248.4), dbSNP rs750738902, ClinGen allele CA19117615.